The following is an entry in ClinVar:

NC_000002.11:g.(15307448_15319111)_(15679481_15691616)del

Gene: NBAS (NBAS subunit of NRZ tethering complex; minus strand). Cytogenetic location: 2p24.3.
Variant type: Deletion.
Identifiers: ClinVar variation 4689595 (VCV004689595.1).

ClinVar aggregate classification (germline): Pathogenic (1 of 4 stars; one submission).

Conditions:
Acute infantile liver failure due to synthesis defect of mtDNA-encoded proteins. Also called: LIVER FAILURE, INFANTILE, TRANSIENT; Liver failure acute infantile; TRMU Deficiency. Identifiers: Orphanet 217371, MedGen C3278664, MONDO:0013111, OMIM 613070.

Submission:

Women's Health and Genetics/Laboratory Corporation of America, LabCorp
Classification: Pathogenic for Acute infantile liver failure due to synthesis defect of mtDNA-encoded proteins. Last evaluated: 2026-01-06. Review status: criteria provided, single submitter. Criteria: LabCorp Variant Classification Summary - May 2015. Collection method: clinical testing. Allele origin: germline.
Comment: Variant summary: The variant involves the deletion of exons 7-51 in the NBAS gene. This Copy Number Variant (CNV) is expected to alter the reading frame and predicted to result in a truncation or absence of the encoded protein due to nonsense mediated decay (NMD). Loss-of-function variants in this gene are known to be pathogenic. A presumed nomenclature of c.(379+1_380-1)_(6840+1_6841-1)del has been designated for the purposes of this classification. The variant was absent in 21694 control chromosomes. To our knowledge, no occurrence of c.(379+1_380-1)_(6840+1_6841-1)del in individuals affected with NBAS-related conditions and no experimental evidence demonstrating its impact on protein function have been reported. No submitters have cited clinical-significance assessments for this variant to ClinVar. Based on the evidence outlined above, the variant was classified as pathogenic.